The following is an entry in ClinVar:

NM_015662.3(IFT172):c.2146C>T (p.Gln716Ter)

Gene: IFT172 (intraflagellar transport 172; minus strand). Cytogenetic location: 2p23.3.
Variant type: single nucleotide variant.
Coding change: c.2146C>T on transcript NM_015662.3 (MANE Select); coding-DNA position 2146, C replaced by T.
Protein change: p.Gln716Ter; replaces glutamine 716 with a stop codon.
Molecular consequence: nonsense.
Genome position (GRCh38, 1-based): chr2:27,461,806, G>A on the plus strand (C>T on the coding strand, the complement: IFT172 is on the minus strand). VCF-style: chr2-27461806-G-A. GRCh37 (hg19) VCF-style: chr2-27684673-G-A.
Other names: short protein forms Q716*.
Identifiers: ClinVar variation 1457968 (VCV001457968.6), dbSNP rs2148507566, ClinGen allele CA346384891.

ClinVar aggregate classification (germline): Pathogenic (1 of 4 stars; one submission).

Conditions:
Retinitis pigmentosa 71 (RP71). Identifiers: Orphanet 791, MedGen C4225342, MONDO:0014618, OMIM 616394.
Short-rib thoracic dysplasia 10 with or without polydactyly (SRTD10). Identifiers: Orphanet 474, MedGen C3810175, MONDO:0014284, OMIM 615630.

gnomAD v4.1: 1 of 1,614,146 alleles (0.000062%); highest among the groups gnomAD compares: Non-Finnish European, 0.000085%; no homozygotes.

Submission:

Labcorp Genetics (formerly Invitae), Labcorp
Classification: Pathogenic for Retinitis pigmentosa 71; Short-rib thoracic dysplasia 10 with or without polydactyly. Last evaluated: 2022-02-05. Review status: criteria provided, single submitter. Criteria: Invitae Variant Classification Sherloc (09022015). Collection method: clinical testing. Allele origin: germline.
Comment: This variant is not present in population databases (gnomAD no frequency). This variant has not been reported in the literature in individuals affected with IFT172-related conditions. For these reasons, this variant has been classified as Pathogenic. This sequence change creates a premature translational stop signal (p.Gln716*) in the IFT172 gene. It is expected to result in an absent or disrupted protein product. Loss-of-function variants in IFT172 are known to be pathogenic (PMID: 24140113).

Literature cited by the submitters: PubMed 24140113.